The following is an entry in ClinVar:

NM_014270.5(SLC7A9):c.687C>T (p.Leu229=)

Gene: SLC7A9 (solute carrier family 7 member 9; minus strand). Cytogenetic location: 19q13.11.
Variant type: single nucleotide variant.
Coding change: c.687C>T on transcript NM_014270.5 (MANE Select); coding-DNA position 687, C replaced by T.
Protein change: p.Leu229=; no amino-acid change (leucine 229 retained).
Molecular consequence: synonymous variant.
Genome position (GRCh38, 1-based): chr19:32,862,135, G>A on the plus strand (C>T on the coding strand, the complement: SLC7A9 is on the minus strand). VCF-style: chr19-32862135-G-A. GRCh37 (hg19) VCF-style: chr19-33353041-G-A.
Other names: p.Leu229=; c.687C>T, p.Leu229= (NM_001126335.2, NM_001243036.2).
Identifiers: ClinVar variation 328754 (VCV000328754.23), dbSNP rs1007161, ClinGen allele CA9358727.
Genomic context (GRCh38, chr19:32,862,135, plus strand): 5'-ACCCCACCCACCCCCAGACTCGGGACATCTCAGGACACCTCACCATCCATCATAGGCCCA[G>A]AGTCCATTGTAAAACGCCAGGCTGATGGCTCCCACAGACAGCTGGGCGCCCTCGAAAGAA-3'
Protein context (NP_055085.1, residues 219-239): GAISLAFYNG[Leu229=]WAYDGWNQLN

ClinVar aggregate classification (germline): Benign. Review status: criteria provided, multiple submitters, no conflicts (2 of 4 stars). 9 submissions from 9 submitters: Benign (7). 2 of the submissions do not count toward it. Last evaluated 2026-03-03.

Conditions:
Cystinuria (CSNU). Also called: Cystinuria, non-type I; CYSTINURIA, TYPE I; CYSTINURIA, TYPE II; CYSTINURIA, TYPE III. Identifiers: Orphanet 214, MedGen C0010691, MONDO:0009067, OMIM 220100, HP:0003131.

Allele frequency attached by ClinVar (database versions not stated): 1000 Genomes Project 0.27815; 1000 Genomes Project 30x 0.27904; gnomAD exomes 0.29459 and 0.32206; ExAC 0.29728; TOPMed 0.30564; gnomAD 0.31495 and 0.31957; ESP Exome Variant Server 0.32977.
gnomAD v4.1: 515,978 of 1,604,840 alleles (32%); highest among the groups gnomAD compares: Middle Eastern, 34%; 85,505 homozygotes.

Submissions (9):

Women's Health and Genetics/Laboratory Corporation of America, LabCorp
Classification: Benign. Last evaluated: 2026-03-03. Review status: criteria provided, single submitter. Criteria: LabCorp Variant Classification Summary - May 2015. Collection method: clinical testing. Allele origin: germline.

Labcorp Genetics (formerly Invitae), Labcorp
Classification: Benign. Last evaluated: 2026-02-04. Review status: criteria provided, single submitter. Criteria: Invitae Variant Classification Sherloc (09022015). Collection method: clinical testing. Allele origin: germline.

Blueprint Genetics
Classification: Benign. Last evaluated: 2024-11-28. Review status: criteria provided, single submitter. Criteria: ACMG Guidelines, 2015. Collection method: clinical testing. Allele origin: germline.

Mayo Clinic Laboratories, Mayo Clinic
Classification: Benign. Last evaluated: 2022-03-09. Review status: criteria provided, single submitter. Criteria: ACMG Guidelines, 2015. Collection method: clinical testing. Allele origin: germline. Observed: 110 variant alleles.

GeneDx
Classification: Benign. Last evaluated: 2019-12-12. Review status: criteria provided, single submitter. Criteria: GeneDx Variant Classification Process June 2021. Collection method: clinical testing. Allele origin: germline. Affected: yes.

Illumina Laboratory Services, Illumina
Classification: Benign for Cystinuria. Last evaluated: 2018-01-13. Review status: criteria provided, single submitter. Criteria: ICSL Variant Classification Criteria 13 December 2019. Collection method: clinical testing. Allele origin: germline.
Comment: This variant was observed in the ICSL laboratory as part of a predisposition screen in an ostensibly healthy population. It had not been previously curated by ICSL or reported in the Human Gene Mutation Database (HGMD: prior to June 1st, 2018), and was therefore a candidate for classification through an automated scoring system. Utilizing variant allele frequency, disease prevalence and penetrance estimates, and inheritance mode, an automated score was calculated to assess if this variant is too frequent to cause the disease. Based on the score and internal cut-off values, a variant classified as benign is not then subjected to further curation. The score for this variant resulted in a classification of benign for this disease.

Breakthrough Genomics
Classification: Benign. Review status: criteria provided, single submitter. Criteria: ACMG Guidelines, 2015. Collection method: not provided. Allele origin: germline. Inheritance: Autosomal dominant inheritance. Affected: yes.

Diagnostic Laboratory, Department of Genetics, University Medical Center Groningen
Classification: Benign. Review status: no assertion criteria provided. Collection method: clinical testing. Allele origin: germline. Affected: yes. Study: VKGL Data-share Consensus. Not counted in ClinVar's aggregate classification.

Joint Genome Diagnostic Labs from Nijmegen and Maastricht, Radboudumc and MUMC+
Classification: Benign. Review status: no assertion criteria provided. Collection method: clinical testing. Allele origin: germline. Affected: yes. Study: VKGL Data-share Consensus. Not counted in ClinVar's aggregate classification.